The following is an entry in ClinVar:

ClinVar aggregate classification (germline): Uncertain significance (1 of 4 stars; one submission).

Allele frequency attached by ClinVar (database versions not stated): TOPMed 0.00001.
gnomAD v4.1: 13 of 1,614,034 alleles (0.00081%); highest among the groups gnomAD compares: Non-Finnish European, 0.00085%; no homozygotes.

Submission:

Institute for Clinical Genetics, University Hospital TU Dresden, University Hospital TU Dresden
Classification: Uncertain significance. Last evaluated: 2022-11-22. Review status: criteria provided, single submitter. Criteria: ACMG Guidelines, 2015. Collection method: clinical testing. Allele origin: germline.
Comment: PP3

NM_033440.3(CELA2A):c.697G>A (p.Gly233Ser)

Gene: CELA2A (chymotrypsin like elastase 2A; plus strand). Cytogenetic location: 1p36.21.
Variant type: single nucleotide variant.
Coding change: c.697G>A on transcript NM_033440.3 (MANE Select); coding-DNA position 697, G replaced by A.
Protein change: p.Gly233Ser; replaces glycine 233 with serine.
Molecular consequence: missense variant.
Genome position (GRCh38, 1-based): chr1:15,467,443, G>A. VCF-style: chr1-15467443-G-A. GRCh37 (hg19) VCF-style: chr1-15793938-G-A.
Other names: short protein forms G233S.
Identifiers: ClinVar variation 2576051 (VCV002576051.1), dbSNP rs776835636, ClinGen allele CA613855.